The following is an entry in ClinVar:

NM_001164508.2(NEB):c.3786G>T (p.Lys1262Asn)

Gene: NEB (nebulin; minus strand). Cytogenetic location: 2q23.3.
Variant type: single nucleotide variant.
Coding change: c.3786G>T on transcript NM_001164508.2 (MANE Select); coding-DNA position 3786, G replaced by T.
Protein change: p.Lys1262Asn; replaces lysine 1262 with asparagine.
Molecular consequence: missense variant.
Genome position (GRCh38, 1-based): chr2:151,675,380, C>A on the plus strand (G>T on the coding strand, the complement: NEB is on the minus strand). VCF-style: chr2-151675380-C-A. GRCh37 (hg19) VCF-style: chr2-152531894-C-A.
Other names: c.3786G>T, p.Lys1262Asn (NM_001164507.2, NM_001271208.2, NM_004543.5); short protein forms K1262N.
Identifiers: ClinVar variation 2070718 (VCV002070718.2), dbSNP rs112229327, ClinGen allele CA57654030.

ClinVar aggregate classification (germline): Uncertain significance. Review status: criteria provided, multiple submitters, no conflicts (2 of 4 stars). 2 submissions from 2 submitters: Uncertain significance (2). Last evaluated 2025-07-17.

Conditions:
Nemaline myopathy 2 (NEM2). Also called: Nemaline myopathy 2, autosomal recessive. Identifiers: MedGen C1850569, MONDO:0009725, OMIM 256030.

Allele frequency attached by ClinVar (database versions not stated): gnomAD 0.00001; TOPMed 0.00001.
gnomAD v4.1: 24 of 1,570,628 alleles (0.0015%); highest among the groups gnomAD compares: Non-Finnish European, 0.0018%; no homozygotes.

Submissions (2):

GeneDx
Classification: Uncertain significance. Last evaluated: 2025-07-17. Review status: criteria provided, single submitter. Criteria: GeneDx Variant Classification Process June 2021. Collection method: clinical testing. Allele origin: germline. Affected: yes.
Comment: Not observed at significant frequency in large population cohorts (gnomAD); In silico analysis supports that this missense variant has a deleterious effect on protein structure/function; Has not been previously published as pathogenic or benign to our knowledge

Labcorp Genetics (formerly Invitae), Labcorp
Classification: Uncertain significance for Nemaline myopathy 2. Last evaluated: 2021-09-02. Review status: criteria provided, single submitter. Criteria: Invitae Variant Classification Sherloc (09022015). Collection method: clinical testing. Allele origin: germline.
Comment: This sequence change replaces lysine with asparagine at codon 1262 of the NEB protein (p.Lys1262Asn). The lysine residue is moderately conserved and there is a moderate physicochemical difference between lysine and asparagine. This variant is not present in population databases (ExAC no frequency). This variant has not been reported in the literature in individuals affected with NEB-related conditions. Algorithms developed to predict the effect of missense changes on protein structure and function are either unavailable or do not agree on the potential impact of this missense change (SIFT: "Deleterious"; PolyPhen-2: "Not Available"; Align-GVGD: "Class C0"). In summary, the available evidence is currently insufficient to determine the role of this variant in disease. Therefore, it has been classified as a Variant of Uncertain Significance.